The following is an entry in ClinVar:

ClinVar aggregate classification (germline): Pathogenic. Review status: criteria provided, multiple submitters, no conflicts (2 of 4 stars). 2 submissions from 2 submitters: Pathogenic (2). Last evaluated 2025-03-06.

Conditions:
Tuberous sclerosis syndrome (TSC). Also called: Tuberous Sclerosis Complex; Tuberous sclerosis. Identifiers: Orphanet 805, MedGen C0041341, MONDO:0001734.
Tuberous sclerosis 2 (TSC2). Identifiers: Orphanet 805, MedGen C1860707, MONDO:0013199, OMIM 613254.

Submissions (2):

Cambridge Genomics Laboratory, East Genomic Laboratory Hub, NHS Genomic Medicine Service
Classification: Pathogenic for Tuberous sclerosis. Last evaluated: 2025-03-06. Review status: criteria provided, single submitter. Criteria: ACGS Best Practice Guidelines for Variant Classification in Rare Disease 2020. Collection method: clinical testing. Allele origin: germline. Affected: yes.
Comment: PVS1,PM2,PM6_Supporting

Labcorp Genetics (formerly Invitae), Labcorp
Classification: Pathogenic for Tuberous sclerosis 2. Last evaluated: 2023-03-20. Review status: criteria provided, single submitter. Criteria: Invitae Variant Classification Sherloc (09022015). Collection method: clinical testing. Allele origin: germline.
Comment: For these reasons, this variant has been classified as Pathogenic. Algorithms developed to predict the effect of sequence changes on RNA splicing suggest that this variant may disrupt the consensus splice site. Disruption of this splice site has been observed in individuals with clinical features of tuberous sclerosis complex (PMID: 16114042, 25900779; Invitae). This variant is not present in population databases (gnomAD no frequency). This sequence change affects an acceptor splice site in intron 13 of the TSC2 gene. It is expected to disrupt RNA splicing. Variants that disrupt the donor or acceptor splice site typically lead to a loss of protein function (PMID: 16199547), and loss-of-function variants in TSC2 are known to be pathogenic (PMID: 10205261, 17304050).

Literature cited by the submitters: PubMed 16114042 (cited by Labcorp Genetics (formerly Invitae), Labcorp); PubMed 25900779 (cited by Labcorp Genetics (formerly Invitae), Labcorp); PubMed 16199547 (cited by Labcorp Genetics (formerly Invitae), Labcorp); PubMed 10205261 (cited by Labcorp Genetics (formerly Invitae), Labcorp); PubMed 17304050 (cited by Labcorp Genetics (formerly Invitae), Labcorp).

NM_000548.5(TSC2):c.1362-1G>A

Gene: TSC2 (TSC complex subunit 2; plus strand). Cytogenetic location: 16p13.3.
Variant type: single nucleotide variant.
Coding change: c.1362-1G>A on transcript NM_000548.5 (MANE Select); the canonical splice acceptor site of the intron before coding-DNA position 1362, G replaced by A.
Molecular consequence: splice acceptor variant. On other transcripts: intron variant (1).
Genome position (GRCh38, 1-based): chr16:2,062,971, G>A. VCF-style: chr16-2062971-G-A. GRCh37 (hg19) VCF-style: chr16-2112972-G-A.
Other names: c.18-1G>A (NM_001406693.1, NM_001406689.1, NM_001406690.1 and 6 more transcripts); c.1452-1G>A (NM_001406667.1, NM_001406668.1); c.762-1G>A (NM_001406680.1, NM_001406683.1, NM_001406687.1 and 6 more transcripts); c.-160+371G>A (NM_001406698.1); c.1362-1G>A (NM_001114382.3, NM_001406663.1, NM_001406664.1 and 6 more transcripts); c.1350-1G>A (NM_001406671.1, NM_001406673.1); c.900-1G>A (NM_001406681.1); c.1251-1G>A (NM_001406670.1, NM_001318827.2, NM_001406678.1); and 3 more.
Identifiers: ClinVar variation 2736283 (VCV002736283.4), dbSNP rs2151170644, ClinGen allele CA394323540.